The following is an entry in ClinVar:

ClinVar aggregate classification (germline): Conflicting classifications of pathogenicity. Review status: criteria provided, conflicting classifications (1 of 4 stars). 6 submissions from 6 submitters: Uncertain significance (1); Likely benign (4). 1 of the submissions does not count toward it. Last evaluated 2026-01-22.

Conditions:
ARHGEF18-related disorder. Also called: ARHGEF18-related condition.
Inborn genetic diseases. Identifiers: MedGen C0950123, MeSH D030342.

Allele frequency attached by ClinVar (database versions not stated): 1000 Genomes Project 30x 0.00125; 1000 Genomes Project 0.00140; gnomAD 0.00247 and 0.00273; TOPMed 0.00276.
gnomAD v4.1: 699 of 1,550,512 alleles (0.045%); highest among the groups gnomAD compares: African/African-American, 0.88%; 6 homozygotes.

Submissions (6):

Labcorp Genetics (formerly Invitae), Labcorp
Classification: Likely benign. Last evaluated: 2026-01-22. Review status: criteria provided, single submitter. Criteria: Invitae Variant Classification Sherloc (09022015). Collection method: clinical testing. Allele origin: germline.

Ambry Genetics
Classification: Uncertain significance for Inborn genetic diseases. Last evaluated: 2024-12-12. Review status: criteria provided, single submitter. Criteria: Ambry Variant Classification Scheme 2023. Collection method: clinical testing. Allele origin: germline.

Blueprint Genetics
Classification: Likely benign. Last evaluated: 2024-08-28. Review status: criteria provided, single submitter. Criteria: ACMG Guidelines, 2015. Collection method: clinical testing. Allele origin: germline.

CeGaT Center for Human Genetics Tuebingen
Classification: Likely benign. Last evaluated: 2022-07-01. Review status: criteria provided, single submitter. Criteria: CeGaT Center For Human Genetics Tuebingen Variant Classification Criteria Version 2. Collection method: clinical testing. Allele origin: germline. Affected: yes. Observed: 1 variant allele.
Comment: ARHGEF18: BP4, BS2

Breakthrough Genomics
Classification: Likely benign. Review status: criteria provided, single submitter. Criteria: ACMG Guidelines, 2015. Collection method: not provided. Allele origin: germline. Inheritance: Autosomal recessive inheritance. Affected: yes.

PreventionGenetics, part of Exact Sciences
Classification: Benign for ARHGEF18-related condition. Last evaluated: 2024-04-16. Review status: no assertion criteria provided. Collection method: clinical testing. Allele origin: germline. Not counted in ClinVar's aggregate classification.
Comment: This variant is classified as benign based on ACMG/AMP sequence variant interpretation guidelines (Richards et al. 2015 PMID: 25741868, with internal and published modifications).

NM_001367823.1(ARHGEF18):c.968-273C>G

Gene: ARHGEF18 (Rho/Rac guanine nucleotide exchange factor 18; plus strand). Cytogenetic location: 19p13.2.
Variant type: single nucleotide variant.
Coding change: c.968-273C>G on transcript NM_001367823.1 (MANE Select); 273 bases into the intron before coding-DNA position 968, C replaced by G.
Molecular consequence: intron variant. On other transcripts: 5 prime UTR variant (1).
Genome position (GRCh38, 1-based): chr19:7,440,071, C>G. VCF-style: chr19-7440071-C-G. GRCh37 (hg19) VCF-style: chr19-7504957-C-G.
Other names: c.-32C>G (NM_001130955.2); c.-226-118C>G (NM_001367824.1); c.-71-273C>G (NM_015318.4).
Identifiers: ClinVar variation 720414 (VCV000720414.38), dbSNP rs531485198, ClinGen allele CA9136262.